The following is an entry in ClinVar:

NM_007294.4(BRCA1):c.4587dup (p.Lys1530Ter)

Gene: BRCA1 (BRCA1 DNA repair associated; minus strand). Cytogenetic location: 17q21.31.
Variant type: Duplication.
Coding change: c.4587dup on transcript NM_007294.4 (MANE Select); coding-DNA position 4587, one base duplicated (T; older notation c.4587dupT).
Protein change: p.Lys1530Ter; replaces lysine 1530 with a stop codon.
Molecular consequence: nonsense. On other transcripts: intron variant (3).
Genome position (GRCh38, 1-based): chr17:43,074,419, A duplicated on the plus strand (T on the coding strand, the reverse complement: BRCA1 is on the minus strand); the first of 2 consecutive A bases (chr17:43,074,419-43,074,420); duplicating either gives the same sequence. VCF-style (leftmost placement, unchanged base first): chr17-43074418-T-TA. GRCh37 (hg19) VCF-style: chr17-41226435-T-TA.
Other names: c.4374dup, p.Lys1459Ter (NM_001407571.1, NM_001407894.1, NM_001407895.1 and 12 more transcripts); c.4653dup, p.Lys1552Ter (NM_001407581.1, NM_001407582.1); c.4650dup, p.Lys1551Ter (NM_001407583.1, NM_001407585.1, NM_001407587.1 and 1 more transcripts); c.4647dup, p.Lys1550Ter (NM_001407590.1, NM_001407591.1); c.4587dup, p.Lys1530Ter (NM_001407593.1, NM_001407594.1, NM_001407596.1 and 8 more transcripts); c.4584dup, p.Lys1529Ter (NM_001407610.1, NM_001407611.1, NM_001407612.1 and 17 more transcripts); c.4581dup, p.Lys1528Ter (NM_001407627.1, NM_001407628.1, NM_001407629.1 and 14 more transcripts); c.4578dup, p.Lys1527Ter (NM_001407644.1, NM_001407645.1); and 71 more; short protein forms K1233*, K1234*, K1361*, K1401*, K1402*, K1403*, K1417*, K1418*.
Identifiers: ClinVar variation 4890846 (VCV004890846.1).

ClinVar aggregate classification (germline): Pathogenic (1 of 4 stars; one submission).

Conditions:
Inherited breast cancer and ovarian cancer.

Submission:

Genetics Laboratory, Great Ormond Street Hospital NHS Foundation Trust, North Thames Genomic Laboratory Hub
Classification: Pathogenic for Inherited breast cancer and ovarian cancer. Last evaluated: 2026-07-15. Review status: criteria provided, single submitter. Criteria: CanVIG BRCA Gene Specific V1.22. Collection method: clinical testing. Allele origin: germline. Affected: yes.
Comment: PM2_moderate, PVS1_very-strong, PM5_strong